The following is an entry in ClinVar:

ClinVar aggregate classification (germline): Uncertain significance (1 of 4 stars; one submission).

Allele frequency attached by ClinVar (database versions not stated): gnomAD exomes 0.00002; gnomAD 0.00001; ExAC 0.00004.
gnomAD v4.1: 31 of 1,614,022 alleles (0.0019%); highest among the groups gnomAD compares: South Asian, 0.033%; 1 homozygote.

Submission:

Labcorp Genetics (formerly Invitae), Labcorp
Classification: Uncertain significance. Last evaluated: 2025-08-18. Review status: criteria provided, single submitter. Criteria: Invitae Variant Classification Sherloc (09022015). Collection method: clinical testing. Allele origin: germline.
Comment: This sequence change replaces threonine, which is neutral and polar, with isoleucine, which is neutral and non-polar, at codon 722 of the RAI1 protein (p.Thr722Ile). This variant is present in population databases (rs769988272, gnomAD 0.04%). This variant has not been reported in the literature in individuals affected with RAI1-related conditions. ClinVar contains an entry for this variant (Variation ID: 2786428). Invitae Evidence Modeling of protein sequence and biophysical properties (such as structural, functional, and spatial information, amino acid conservation, physicochemical variation, residue mobility, and thermodynamic stability) indicates that this missense variant is not expected to disrupt RAI1 protein function with a negative predictive value of 80%. In summary, the available evidence is currently insufficient to determine the role of this variant in disease. Therefore, it has been classified as a Variant of Uncertain Significance.

NM_030665.4(RAI1):c.2165C>T (p.Thr722Ile)

Gene: RAI1 (retinoic acid induced 1; plus strand). Cytogenetic location: 17p11.2.
Variant type: single nucleotide variant.
Coding change: c.2165C>T on transcript NM_030665.4 (MANE Select); coding-DNA position 2165, C replaced by T.
Protein change: p.Thr722Ile; replaces threonine 722 with isoleucine.
Molecular consequence: missense variant.
Genome position (GRCh38, 1-based): chr17:17,795,113, C>T. VCF-style: chr17-17795113-C-T. GRCh37 (hg19) VCF-style: chr17-17698427-C-T.
Other names: short protein forms T722I.
Identifiers: ClinVar variation 2786428 (VCV002786428.3), dbSNP rs769988272, ClinGen allele CA8418475.
Genomic context (GRCh38, chr17:17,795,113, plus strand): 5'-CAACTGGTCCTCTCTCCTTTGGTACCAAGCCCACCCTTGGGGTTCCTGCTCCAGACCCCA[C>T]TACAGCAGCTTTTGACTGTTTCCCGGACACAACCGCTGCCAGCTCAGCGGACAGCGCCAA-3'
Protein context (NP_109590.3, residues 712-732): PTLGVPAPDP[Thr722Ile]TAAFDCFPDT